The following is an entry in ClinVar:

NM_001211.6(BUB1B):c.1373C>G (p.Thr458Ser)

Gene: BUB1B (BUB1 mitotic checkpoint serine/threonine kinase B; plus strand). Cytogenetic location: 15q15.1.
Variant type: single nucleotide variant.
Coding change: c.1373C>G on transcript NM_001211.6 (MANE Select); coding-DNA position 1373, C replaced by G.
Protein change: p.Thr458Ser; replaces threonine 458 with serine.
Molecular consequence: missense variant.
Genome position (GRCh38, 1-based): chr15:40,199,699, C>G. VCF-style: chr15-40199699-C-G. GRCh37 (hg19) VCF-style: chr15-40491900-C-G.
Other names: short protein forms T458S.
Identifiers: ClinVar variation 2756005 (VCV002756005.3), dbSNP rs766760271, ClinGen allele CA391689120.

ClinVar aggregate classification (germline): Uncertain significance (1 of 4 stars; one submission).

Conditions:
Mosaic variegated aneuploidy syndrome 1 (MVA1). Also called: Warburton-Anyane-Yeboa syndrome. Identifiers: Orphanet 1052, MedGen C1850343, MONDO:0009759, OMIM 257300.

Submission:

Labcorp Genetics (formerly Invitae), Labcorp
Classification: Uncertain significance for Mosaic variegated aneuploidy syndrome 1. Last evaluated: 2023-06-02. Review status: criteria provided, single submitter. Criteria: Invitae Variant Classification Sherloc (09022015). Collection method: clinical testing. Allele origin: germline.
Comment: In summary, the available evidence is currently insufficient to determine the role of this variant in disease. Therefore, it has been classified as a Variant of Uncertain Significance. An algorithm developed to predict the effect of missense changes on protein structure and function (PolyPhen-2) suggests that this variant is likely to be tolerated. This variant has not been reported in the literature in individuals affected with BUB1B-related conditions. This variant is not present in population databases (gnomAD no frequency). This sequence change replaces threonine, which is neutral and polar, with serine, which is neutral and polar, at codon 458 of the BUB1B protein (p.Thr458Ser).